The following is an entry in ClinVar:

NM_000465.4(BARD1):c.116C>T (p.Ala39Val)

Gene: BARD1 (BRCA1 associated RING domain 1; minus strand). Cytogenetic location: 2q35.
Variant type: single nucleotide variant.
Coding change: c.116C>T on transcript NM_000465.4 (MANE Select); coding-DNA position 116, C replaced by T.
Protein change: p.Ala39Val; replaces alanine 39 with valine.
Molecular consequence: missense variant. On other transcripts: non-coding transcript variant (3).
Genome position (GRCh38, 1-based): chr2:214,809,454, G>A on the plus strand (C>T on the coding strand, the complement: BARD1 is on the minus strand). VCF-style: chr2-214809454-G-A. GRCh37 (hg19) VCF-style: chr2-215674178-G-A.
Other names: c.116C>T (NM_000465.2); c.116C>T, p.Ala39Val (NM_001282543.2, NM_001282545.2, NM_001282548.2 and 1 more transcripts); short protein forms A39V.
Identifiers: ClinVar variation 652273 (VCV000652273.14), dbSNP rs779885670, ClinGen allele CA2090515.

ClinVar aggregate classification (germline): Uncertain significance. Review status: criteria provided, multiple submitters, no conflicts (2 of 4 stars). 3 submissions from 3 submitters: Uncertain significance (3). Last evaluated 2025-07-21.

Conditions:
Hereditary cancer-predisposing syndrome. Also called: Hereditary Cancer Syndrome; Hereditary neoplastic syndrome; Tumor predisposition; Neoplastic Syndromes, Hereditary. Identifiers: Orphanet 140162, MedGen C0027672, MeSH D009386, MONDO:0015356.
Familial cancer of breast. Also called: hereditary breast carcinoma; Hereditary breast cancer; BREAST CANCER, FAMILIAL. Identifiers: Orphanet 227535, MedGen C0346153, MONDO:0016419, OMIM 114480. Disease mechanism: loss of function.

Allele frequency attached by ClinVar (database versions not stated): gnomAD exomes below 0.00001; TOPMed 0.00002; ExAC below 0.00001; gnomAD 0.00002.
gnomAD v4.1: 4 of 1,611,336 alleles (0.00025%); highest among the groups gnomAD compares: Admixed American, 0.0067%; no homozygotes.

Submissions (3):

Dasa
Classification: Uncertain significance. Last evaluated: 2025-07-21. Review status: criteria provided, single submitter. Criteria: DASA Assertion Criteria. Collection method: clinical testing. Allele origin: germline.
Comment: NM_000465.4(BARD1):c.116C>T (p.Ala39Val) is a missense variant that results in the substitution of alanine with valine. This variant is rare in population databases. Computational prediction algorithms are consistent with a benign effect. The currently available literature and clinical evidence are not sufficient to establish a definitive association between this variant and the reported condition. Therefore, this variant is classified as a variant of uncertain significance.

Ambry Genetics
Classification: Uncertain significance for Hereditary cancer-predisposing syndrome. Last evaluated: 2024-12-19. Review status: criteria provided, single submitter. Criteria: Ambry Variant Classification Scheme 2023. Collection method: clinical testing. Allele origin: germline.
Comment: The p.A39V variant (also known as c.116C>T), located in coding exon 1 of the BARD1 gene, results from a C to T substitution at nucleotide position 116. The alanine at codon 39 is replaced by valine, an amino acid with similar properties. This amino acid position is well conserved in available vertebrate species. In addition, this alteration is predicted to be tolerated by in silico analysis. Based on the available evidence, the clinical significance of this variant remains unclear.

Labcorp Genetics (formerly Invitae), Labcorp
Classification: Uncertain significance for Familial cancer of breast. Last evaluated: 2023-02-10. Review status: criteria provided, single submitter. Criteria: Invitae Variant Classification Sherloc (09022015). Collection method: clinical testing. Allele origin: germline.
Comment: Algorithms developed to predict the effect of missense changes on protein structure and function output the following: SIFT: "Tolerated"; PolyPhen-2: "Benign"; Align-GVGD: "Class C0". The valine amino acid residue is found in multiple mammalian species, which suggests that this missense change does not adversely affect protein function. In summary, the available evidence is currently insufficient to determine the role of this variant in disease. Therefore, it has been classified as a Variant of Uncertain Significance. ClinVar contains an entry for this variant (Variation ID: 652273). This variant has not been reported in the literature in individuals affected with BARD1-related conditions. The frequency data for this variant in the population databases is considered unreliable, as metrics indicate poor data quality at this position in the gnomAD database. This sequence change replaces alanine, which is neutral and non-polar, with valine, which is neutral and non-polar, at codon 39 of the BARD1 protein (p.Ala39Val).